The following is an entry in ClinVar:

NM_003098.3(SNTA1):c.883A>G (p.Lys295Glu)

Gene: SNTA1 (syntrophin alpha 1; minus strand). Cytogenetic location: 20q11.21.
Variant type: single nucleotide variant.
Coding change: c.883A>G on transcript NM_003098.3 (MANE Select); coding-DNA position 883, A replaced by G.
Protein change: p.Lys295Glu; replaces lysine 295 with glutamic acid.
Molecular consequence: missense variant.
Genome position (GRCh38, 1-based): chr20:33,412,601, T>C on the plus strand (A>G on the coding strand, the complement: SNTA1 is on the minus strand). VCF-style: chr20-33412601-T-C. GRCh37 (hg19) VCF-style: chr20-32000407-T-C.
Other names: c.883A>G, p.Lys295Glu (NM_001424414.1, NM_001424413.1); short protein forms K295E.
Identifiers: ClinVar variation 3223125 (VCV003223125.3), dbSNP rs2515498236, ClinGen allele CA408631401.

ClinVar aggregate classification (germline): Uncertain significance. Review status: criteria provided, multiple submitters, no conflicts (2 of 4 stars). 2 submissions from 2 submitters: Uncertain significance (2). Last evaluated 2024-02-26.

Conditions:
Cardiovascular phenotype. Identifiers: MedGen CN230736.
Long QT syndrome (LQTS). Identifiers: MedGen C0023976, MeSH D008133, MONDO:0002442. Disease mechanism: loss of function. Inheritance: Various modes of inheritance.

Submissions (2):

Ambry Genetics
Classification: Uncertain significance for Cardiovascular phenotype. Last evaluated: 2024-02-26. Review status: criteria provided, single submitter. Criteria: Ambry Variant Classification Scheme 2023. Collection method: clinical testing. Allele origin: germline.
Comment: The p.K295E variant (also known as c.883A>G), located in coding exon 4 of the SNTA1 gene, results from an A to G substitution at nucleotide position 883. The lysine at codon 295 is replaced by glutamic acid, an amino acid with similar properties. This amino acid position is conserved. In addition, the in silico prediction for this alteration is inconclusive. Based on the available evidence, the clinical significance of this alteration remains unclear.

Labcorp Genetics (formerly Invitae), Labcorp
Classification: Uncertain significance for Long QT syndrome. Last evaluated: 2024-02-16. Review status: criteria provided, single submitter. Criteria: Invitae Variant Classification Sherloc (09022015). Collection method: clinical testing. Allele origin: germline.
Comment: This sequence change replaces lysine, which is basic and polar, with glutamic acid, which is acidic and polar, at codon 295 of the SNTA1 protein (p.Lys295Glu). This variant is not present in population databases (gnomAD no frequency). This variant has not been reported in the literature in individuals affected with SNTA1-related conditions. Advanced modeling of protein sequence and biophysical properties (such as structural, functional, and spatial information, amino acid conservation, physicochemical variation, residue mobility, and thermodynamic stability) performed at Invitae indicates that this missense variant is not expected to disrupt SNTA1 protein function with a negative predictive value of 80%. In summary, the available evidence is currently insufficient to determine the role of this variant in disease. Therefore, it has been classified as a Variant of Uncertain Significance.